The following is an entry in ClinVar:

ClinVar aggregate classification (germline): Uncertain significance (1 of 4 stars; one submission).

Conditions:
Charcot-Marie-Tooth disease axonal type 2O. Also called: CHARCOT-MARIE-TOOTH NEUROPATHY, AXONAL, TYPE 2O; CHARCOT-MARIE-TOOTH DISEASE, AXONAL, AUTOSOMAL DOMINANT, TYPE 2O; Charcot-Marie-Tooth Neuropathy Type 2O; Charcot-Marie-Tooth disease, axonal, type 20. Identifiers: Orphanet 284232, MedGen C3280220, MONDO:0013644, OMIM 614228.

Allele frequency attached by ClinVar (database versions not stated): gnomAD exomes below 0.00001; gnomAD 0.00001; TOPMed 0.00002.
gnomAD v4.1: 3 of 1,613,602 alleles (0.00019%); highest among the groups gnomAD compares: African/African-American, 0.0027%; no homozygotes.

Submission:

Labcorp Genetics (formerly Invitae), Labcorp
Classification: Uncertain significance for Charcot-Marie-Tooth disease axonal type 2O. Last evaluated: 2025-12-28. Review status: criteria provided, single submitter. Criteria: Invitae Variant Classification Sherloc (09022015). Collection method: clinical testing. Allele origin: germline.
Comment: This sequence change falls in intron 31 of the DYNC1H1 gene. It does not directly change the encoded amino acid sequence of the DYNC1H1 protein. It affects a nucleotide within the consensus splice site. This variant is present in population databases (no rsID available, gnomAD 0.003%). This variant has not been reported in the literature in individuals affected with DYNC1H1-related conditions. ClinVar contains an entry for this variant (Variation ID: 1402528). Variants that disrupt the consensus splice site are a relatively common cause of aberrant splicing (PMID: 17576681, 9536098). Algorithms developed to predict the effect of sequence changes on RNA splicing suggest that this variant is not likely to affect RNA splicing. In summary, the available evidence is currently insufficient to determine the role of this variant in disease. Therefore, it has been classified as a Variant of Uncertain Significance.

Literature cited by the submitters: PubMed 17576681; PubMed 9536098.

NM_001376.5(DYNC1H1):c.6405+4C>T

Gene: DYNC1H1 (dynein cytoplasmic 1 heavy chain 1; plus strand). Cytogenetic location: 14q32.31.
Variant type: single nucleotide variant.
Coding change: c.6405+4C>T on transcript NM_001376.5 (MANE Select); 4 bases into the intron after coding-DNA position 6405, C replaced by T.
Molecular consequence: intron variant.
Genome position (GRCh38, 1-based): chr14:102,010,463, C>T. VCF-style: chr14-102010463-C-T. GRCh37 (hg19) VCF-style: chr14-102476800-C-T.
Identifiers: ClinVar variation 1402528 (VCV001402528.6), dbSNP rs868691855, ClinGen allele CA267002861.